The following is an entry in ClinVar:

ClinVar aggregate classification (germline): Uncertain significance (1 of 4 stars; one submission).

Conditions:
Inborn genetic diseases. Identifiers: MedGen C0950123, MeSH D030342.

Submission:

Ambry Genetics
Classification: Uncertain significance for Inborn genetic diseases. Last evaluated: 2024-12-22. Review status: criteria provided, single submitter. Criteria: Ambry Variant Classification Scheme 2023. Collection method: clinical testing. Allele origin: germline.
Comment: The p.G1288R variant (also known as c.3862G>C), located in coding exon 13 of the ASXL1 gene, results from a G to C substitution at nucleotide position 3862. The glycine at codon 1288 is replaced by arginine, an amino acid with dissimilar properties. This amino acid position is conserved. In addition, this alteration is predicted to be tolerated by in silico analysis. Based on the available evidence, the clinical significance of this variant remains unclear.

NM_015338.6(ASXL1):c.3862G>C (p.Gly1288Arg)

Gene: ASXL1 (ASXL transcriptional regulator 1; plus strand). Cytogenetic location: 20q11.21.
Variant type: single nucleotide variant.
Coding change: c.3862G>C on transcript NM_015338.6 (MANE Select); coding-DNA position 3862, G replaced by C.
Protein change: p.Gly1288Arg; replaces glycine 1288 with arginine.
Molecular consequence: missense variant.
Genome position (GRCh38, 1-based): chr20:32,436,574, G>C. VCF-style: chr20-32436574-G-C. GRCh37 (hg19) VCF-style: chr20-31024377-G-C.
Other names: c.3679G>C, p.Gly1227Arg (NM_001363734.1); short protein forms G1288R, G1227R.
Identifiers: ClinVar variation 3791602 (VCV003791602.1).